The following is an entry in ClinVar:

ClinVar aggregate classification (germline): Pathogenic. Review status: criteria provided, multiple submitters, no conflicts (2 of 4 stars). 3 submissions from 3 submitters: Pathogenic (3). Last evaluated 2024-01-23.

Conditions:
Hereditary cancer-predisposing syndrome. Also called: Hereditary neoplastic syndrome; Tumor predisposition; Neoplastic Syndromes, Hereditary; Hereditary Cancer Syndrome. Identifiers: Orphanet 140162, MedGen C0027672, MeSH D009386, MONDO:0015356.
Ataxia-telangiectasia syndrome (AT). Also called: LOUIS-BAR SYNDROME; Ataxia telangiectasia (A-T); Cerebello-oculocutaneous telangiectasia; Immunodeficiency with ataxia telangiectasia; ATAXIA-TELANGIECTASIA, COMPLEMENTATION GROUP A; ATAXIA-TELANGIECTASIA, FRESNO VARIANT. Identifiers: Orphanet 100, MedGen C0004135, MONDO:0008840, OMIM 208900.
Familial cancer of breast. Also called: Hereditary breast cancer; hereditary breast carcinoma; BREAST CANCER, FAMILIAL. Identifiers: Orphanet 227535, MedGen C0346153, MONDO:0016419, OMIM 114480. Disease mechanism: loss of function.

Submissions (3):

Myriad Genetics, Inc.
Classification: Pathogenic for Familial cancer of breast. Last evaluated: 2024-01-23. Review status: criteria provided, single submitter. Criteria: Myriad Autosomal Dominant, Autosomal Recessive and X-Linked Classification Criteria (2023). Collection method: clinical testing. Allele origin: unknown.
Comment: This variant is considered pathogenic. This variant creates a frameshift predicted to result in premature protein truncation.

Color Diagnostics, LLC DBA Color Health
Classification: Pathogenic for Hereditary cancer-predisposing syndrome. Last evaluated: 2023-06-13. Review status: criteria provided, single submitter. Criteria: ACMG Guidelines, 2015. Collection method: clinical testing. Allele origin: germline.
Comment: This variant deletes 1 nucleotide in exon 28 of the ATM gene, creating a frameshift and premature translation stop signal. This variant is expected to result in an absent or non-functional protein product. This variant has been reported in an individual referred for genetic counseling (PMID: 36132150). This variant has not been identified in the general population by the Genome Aggregation Database (gnomAD). Loss of ATM function is a known mechanism of disease. Based on the available evidence, this variant is classified as Pathogenic.

Labcorp Genetics (formerly Invitae), Labcorp
Classification: Pathogenic for Ataxia-telangiectasia syndrome. Last evaluated: 2022-05-29. Review status: criteria provided, single submitter. Criteria: Invitae Variant Classification Sherloc (09022015). Collection method: clinical testing. Allele origin: germline.
Comment: This sequence change creates a premature translational stop signal (p.Leu1372Trpfs*14) in the ATM gene. It is expected to result in an absent or disrupted protein product. Loss-of-function variants in ATM are known to be pathogenic (PMID: 23807571, 25614872). This variant is not present in population databases (gnomAD no frequency). This variant has not been reported in the literature in individuals affected with ATM-related conditions. ClinVar contains an entry for this variant (Variation ID: 952408). For these reasons, this variant has been classified as Pathogenic.

Literature cited by the submitters: PubMed 36132150 (cited by Color Diagnostics, LLC DBA Color Health); PubMed 23807571 (cited by Labcorp Genetics (formerly Invitae), Labcorp); PubMed 25614872 (cited by Labcorp Genetics (formerly Invitae), Labcorp).

NM_000051.4(ATM):c.4115del (p.Leu1372fs)

Gene: ATM (ATM serine/threonine kinase; plus strand). Cytogenetic location: 11q22.3.
Variant type: Deletion.
Coding change: c.4115del on transcript NM_000051.4 (MANE Select); coding-DNA position 4115, one base deleted (T; older notation c.4115delT).
Protein change: p.Leu1372fs; shifts the reading frame from leucine 1372.
Molecular consequence: frameshift variant.
Genome position (GRCh38, 1-based): chr11:108,288,982, T deleted; the last of 3 consecutive T bases (chr11:108,288,980-108,288,982); deleting any one gives the same sequence. VCF-style (leftmost placement, unchanged base first): chr11-108288979-AT-A. GRCh37 (hg19) VCF-style: chr11-108159706-AT-A.
Other names: c.4115del, p.Leu1372fs (NM_001351834.2); short protein forms L1372fs.
Identifiers: ClinVar variation 952408 (VCV000952408.10), dbSNP rs2082638431, ClinGen allele CA1139662299.